The following is an entry in ClinVar:

NM_175875.5(SIX5):c.1687C>T (p.Leu563Phe)

Gene: SIX5 (SIX homeobox 5; minus strand). Cytogenetic location: 19q13.32.
Variant type: single nucleotide variant.
Coding change: c.1687C>T on transcript NM_175875.5 (MANE Select); coding-DNA position 1687, C replaced by T.
Protein change: p.Leu563Phe; replaces leucine 563 with phenylalanine.
Molecular consequence: missense variant.
Genome position (GRCh38, 1-based): chr19:45,766,034, G>A on the plus strand (C>T on the coding strand, the complement: SIX5 is on the minus strand). VCF-style: chr19-45766034-G-A. GRCh37 (hg19) VCF-style: chr19-46269292-G-A.
Other names: short protein forms L563F.
Identifiers: ClinVar variation 994495 (VCV000994495.10), dbSNP rs781343581, ClinGen allele CA9520538.

ClinVar aggregate classification (germline): Conflicting classifications of pathogenicity. Review status: criteria provided, conflicting classifications (1 of 4 stars). 4 submissions from 4 submitters: Uncertain significance (3); Likely benign (1). Last evaluated 2025-11-27.

Conditions:
Branchiootorenal syndrome 2 (BOR2). Identifiers: Orphanet 107, MedGen C1970479, MONDO:0012575, OMIM 610896.

Allele frequency attached by ClinVar (database versions not stated): TOPMed 0.00004; gnomAD 0.00005 and 0.00006.

Submissions (4):

Labcorp Genetics (formerly Invitae), Labcorp
Classification: Uncertain significance. Last evaluated: 2025-11-27. Review status: criteria provided, single submitter. Criteria: Invitae Variant Classification Sherloc (09022015). Collection method: clinical testing. Allele origin: germline.
Comment: This sequence change replaces leucine, which is neutral and non-polar, with phenylalanine, which is neutral and non-polar, at codon 563 of the SIX5 protein (p.Leu563Phe). This variant is present in population databases (rs781343581, gnomAD 0.009%). This variant has not been reported in the literature in individuals affected with SIX5-related conditions. ClinVar contains an entry for this variant (Variation ID: 994495). Invitae Evidence Modeling of protein sequence and biophysical properties (such as structural, functional, and spatial information, amino acid conservation, physicochemical variation, residue mobility, and thermodynamic stability) indicates that this missense variant is not expected to disrupt SIX5 protein function with a negative predictive value of 80%. In summary, the available evidence is currently insufficient to determine the role of this variant in disease. Therefore, it has been classified as a Variant of Uncertain Significance.

Ambry Genetics
Classification: Likely benign. Last evaluated: 2024-07-22. Review status: criteria provided, single submitter. Criteria: Ambry Variant Classification Scheme 2023. Collection method: clinical testing. Allele origin: germline.

Fulgent Genetics
Classification: Uncertain significance for Branchiootorenal syndrome 2. Last evaluated: 2022-03-28. Review status: criteria provided, single submitter. Criteria: ACMG Guidelines, 2015. Collection method: clinical testing. Allele origin: unknown.

Athena Diagnostics
Classification: Uncertain significance. Last evaluated: 2021-01-12. Review status: criteria provided, single submitter. Criteria: Athena Diagnostics criteria. Collection method: clinical testing. Allele origin: unknown.